The following is an entry in ClinVar:

NM_000257.4(MYH7):c.2184G>A (p.Ala728=)

Gene: MYH7 (myosin heavy chain 7; minus strand). Cytogenetic location: 14q11.2.
Variant type: single nucleotide variant.
Coding change: c.2184G>A on transcript NM_000257.4 (MANE Select); coding-DNA position 2184, G replaced by A.
Protein change: p.Ala728=; no amino-acid change (alanine 728 retained).
Molecular consequence: synonymous variant.
Genome position (GRCh38, 1-based): chr14:23,425,797, C>T on the plus strand (G>A on the coding strand, the complement: MYH7 is on the minus strand). VCF-style: chr14-23425797-C-T. GRCh37 (hg19) VCF-style: chr14-23895006-C-T.
Other names: p.A728A:GCG>GCA; c.2184G>A (LRG_384t1).
Identifiers: ClinVar variation 138374 (VCV000138374.18), dbSNP rs148650290, ClinGen allele CA011905.

ClinVar aggregate classification (germline): Benign/Likely benign. Review status: criteria provided, multiple submitters, no conflicts (2 of 4 stars). 7 submissions from 7 submitters: Benign (1); Likely benign (6). Last evaluated 2026-02-03.

Conditions:
Cardiovascular phenotype. Identifiers: MedGen CN230736.
Cardiomyopathy (CMYO). Also called: Cardiomyopathies. Identifiers: Orphanet 167848, MedGen C0878544, MONDO:0004994, HP:0001638. Inheritance: Various modes of inheritance.
Hypertrophic cardiomyopathy. Also called: HYPERTROPHIC MYOCARDIOPATHY. Identifiers: Orphanet 217569, MedGen C0007194, MeSH D002312, MONDO:0005045, HP:0001639.

Allele frequency attached by ClinVar (database versions not stated): TOPMed 0.00006; ESP Exome Variant Server 0.00008; ExAC 0.00009; gnomAD exomes 0.00009; gnomAD 0.00010.
gnomAD v4.1: 119 of 1,613,952 alleles (0.0074%); highest among the groups gnomAD compares: South Asian, 0.046%; 1 homozygote.

Submissions (7):

Labcorp Genetics (formerly Invitae), Labcorp
Classification: Likely benign for Hypertrophic cardiomyopathy. Last evaluated: 2026-02-03. Review status: criteria provided, single submitter. Criteria: Invitae Variant Classification Sherloc (09022015). Collection method: clinical testing. Allele origin: germline.

Blueprint Genetics
Classification: Likely benign. Last evaluated: 2024-11-06. Review status: criteria provided, single submitter. Criteria: ACMG Guidelines, 2015. Collection method: clinical testing. Allele origin: germline.

All of Us Research Program, National Institutes of Health
Classification: Likely benign for Cardiomyopathy. Last evaluated: 2024-02-05. Review status: criteria provided, single submitter. Criteria: ACMG Guidelines, 2015. Collection method: clinical testing. Allele origin: germline. Inheritance: Autosomal dominant inheritance. Observed: 14 variant alleles, 14 heterozygotes.
Comment: This study involves interpretation of variants in research participants for the purpose of population health screening. Participant phenotype was not available at the time of variant classification. Additional details can be found in publication PMID: 35346344, PMCID: PMC8962531

CHEO Genetics Diagnostic Laboratory, Children's Hospital of Eastern Ontario
Classification: Likely benign for Cardiomyopathy. Last evaluated: 2020-03-16. Review status: criteria provided, single submitter. Criteria: ACMG Guidelines, 2015. Collection method: clinical testing. Allele origin: germline.

Ambry Genetics
Classification: Likely benign for Cardiovascular phenotype. Last evaluated: 2019-10-03. Review status: criteria provided, single submitter. Criteria: Ambry Variant Classification Scheme 2023. Collection method: clinical testing. Allele origin: germline.

Color Diagnostics, LLC DBA Color Health
Classification: Likely benign for Cardiomyopathy. Last evaluated: 2018-12-04. Review status: criteria provided, single submitter. Criteria: ACMG Guidelines, 2015. Collection method: clinical testing. Allele origin: germline.

GeneDx
Classification: Benign. Last evaluated: 2011-07-14. Review status: criteria provided, single submitter. Criteria: GeneDx Variant Classification (06012015). Collection method: clinical testing. Allele origin: germline. Affected: yes.
Comment: This variant is considered likely benign or benign based on one or more of the following criteria: it is a conservative change, it occurs at a poorly conserved position in the protein, it is predicted to be benign by multiple in silico algorithms, and/or has population frequency not consistent with disease.